The following is an entry in ClinVar:

NR_033294.2(SNORD118):n.72_79del

Genes: SNORD118 (small nucleolar RNA, C/D box 118; minus strand), TMEM107 (transmembrane protein 107; minus strand). Cytogenetic location: 17p13.1.
Variant type: Deletion.
Molecular consequence: non-coding transcript variant (on NR_033294.2). On other transcripts: 3 prime UTR variant (5).
Genome position: GRCh38 VCF-style: chr17-8173509-ACGTTTCAT-A. GRCh37 (hg19) VCF-style: chr17-8076827-ACGTTTCAT-A.
Other names: c.*686_*693del (NM_001351278.2, NM_001351279.2, NM_001351280.2 and 2 more transcripts).
Identifiers: ClinVar variation 2003789 (VCV002003789.2), dbSNP rs1983808478, ClinGen allele CA2246193775.

ClinVar aggregate classification (germline): Uncertain significance (1 of 4 stars; one submission).

Allele frequency attached by ClinVar (database versions not stated): gnomAD exomes below 0.00001; TOPMed below 0.00001.

Submission:

Labcorp Genetics (formerly Invitae), Labcorp
Classification: Uncertain significance. Last evaluated: 2022-06-09. Review status: criteria provided, single submitter. Criteria: Invitae Variant Classification Sherloc (09022015). Collection method: clinical testing. Allele origin: germline.
Comment: In summary, the available evidence is currently insufficient to determine the role of this variant in disease. Therefore, it has been classified as a Variant of Uncertain Significance. Experimental studies and prediction algorithms are not available or were not evaluated, and the functional significance of this variant is currently unknown. This variant has not been reported in the literature in individuals affected with SNORD118-related conditions. This variant is not present in population databases (gnomAD no frequency). This variant occurs in the SNORD118 gene, which encodes an RNA molecule that does not result in a protein product.